The following is an entry in ClinVar:

ClinVar aggregate classification (germline): Uncertain significance (1 of 4 stars; one submission).

Conditions:
Developmental and epileptic encephalopathy, 12 (DEE12). Identifiers: MedGen C3150988, MONDO:0013389, OMIM 613722.

Submission:

Labcorp Genetics (formerly Invitae), Labcorp
Classification: Uncertain significance for Developmental and epileptic encephalopathy, 12. Last evaluated: 2022-07-12. Review status: criteria provided, single submitter. Criteria: Invitae Variant Classification Sherloc (09022015). Collection method: clinical testing. Allele origin: germline.
Comment: This variant has not been reported in the literature in individuals affected with PLCB1-related conditions. In summary, the available evidence is currently insufficient to determine the role of this variant in disease. Therefore, it has been classified as a Variant of Uncertain Significance. Algorithms developed to predict the effect of missense changes on protein structure and function are either unavailable or do not agree on the potential impact of this missense change (SIFT: "Tolerated"; PolyPhen-2: "Probably Damaging"; Align-GVGD: "Class C0"). ClinVar contains an entry for this variant (Variation ID: 1479299). This variant is not present in population databases (gnomAD no frequency). This sequence change replaces lysine, which is basic and polar, with asparagine, which is neutral and polar, at codon 591 of the PLCB1 protein (p.Lys591Asn).

NM_015192.4(PLCB1):c.1773A>T (p.Lys591Asn)

Gene: PLCB1 (phospholipase C beta 1; plus strand). Cytogenetic location: 20p12.3.
Variant type: single nucleotide variant.
Coding change: c.1773A>T on transcript NM_015192.4 (MANE Select); coding-DNA position 1773, A replaced by T.
Protein change: p.Lys591Asn; replaces lysine 591 with asparagine.
Molecular consequence: missense variant.
Genome position (GRCh38, 1-based): chr20:8,729,059, A>T. VCF-style: chr20-8729059-A-T. GRCh37 (hg19) VCF-style: chr20-8709706-A-T.
Other names: c.1773A>T, p.Lys591Asn (NM_182734.3); short protein forms K591N.
Identifiers: ClinVar variation 1479299 (VCV001479299.8), dbSNP rs2123491392, ClinGen allele CA408204322.